The following is an entry in ClinVar:

ClinVar aggregate classification (germline): Uncertain significance (1 of 4 stars; one submission).

Allele frequency attached by ClinVar (database versions not stated): gnomAD exomes 0.00002; gnomAD 0.00003; ExAC 0.00005.
gnomAD v4.1: 39 of 1,613,566 alleles (0.0024%); highest among the groups gnomAD compares: South Asian, 0.043%; no homozygotes.

Submission:

Labcorp Genetics (formerly Invitae), Labcorp
Classification: Uncertain significance. Last evaluated: 2022-03-31. Review status: criteria provided, single submitter. Criteria: Invitae Variant Classification Sherloc (09022015). Collection method: clinical testing. Allele origin: germline.
Comment: This sequence change replaces glutamic acid, which is acidic and polar, with lysine, which is basic and polar, at codon 60 of the CEP63 protein (p.Glu60Lys). This variant is present in population databases (rs752254258, gnomAD 0.04%). This variant has not been reported in the literature in individuals affected with CEP63-related conditions. Algorithms developed to predict the effect of missense changes on protein structure and function (SIFT, PolyPhen-2, Align-GVGD) all suggest that this variant is likely to be disruptive. In summary, the available evidence is currently insufficient to determine the role of this variant in disease. Therefore, it has been classified as a Variant of Uncertain Significance.

NM_001353108.3(CEP63):c.178G>A (p.Glu60Lys)

Gene: CEP63 (centrosomal protein 63; plus strand). Cytogenetic location: 3q22.2.
Variant type: single nucleotide variant.
Coding change: c.178G>A on transcript NM_001353108.3 (MANE Select); coding-DNA position 178, G replaced by A.
Protein change: p.Glu60Lys; replaces glutamic acid 60 with lysine.
Molecular consequence: missense variant. On other transcripts: 5 prime UTR variant (1), non-coding transcript variant (4).
Genome position (GRCh38, 1-based): chr3:134,507,242, G>A. VCF-style: chr3-134507242-G-A. GRCh37 (hg19) VCF-style: chr3-134226084-G-A.
Other names: c.178G>A, p.Glu60Lys (NM_001042383.2, NM_001042384.2, NM_001042400.3 and 13 more transcripts); c.205G>A, p.Glu69Lys (NM_001353118.1); c.94G>A, p.Glu32Lys (NM_001353125.2); c.-204G>A (NM_001353126.2); short protein forms E69K, E32K, E60K.
Identifiers: ClinVar variation 1943748 (VCV001943748.2), dbSNP rs752254258, ClinGen allele CA2628280.